The following is an entry in ClinVar:

ClinVar aggregate classification (germline): Uncertain significance (1 of 4 stars; one submission).

Submission:

GeneDx
Classification: Uncertain significance. Last evaluated: 2023-12-30. Review status: criteria provided, single submitter. Criteria: GeneDx Variant Classification Process June 2021. Collection method: clinical testing. Allele origin: germline. Affected: yes.
Comment: Not observed at significant frequency in large population cohorts (gnomAD); In silico analysis supports that this missense variant has a deleterious effect on protein structure/function; Has not been previously published as pathogenic or benign to our knowledge

NM_001395656.1(ROBO2):c.115G>T (p.Asp39Tyr)

Gene: ROBO2 (roundabout guidance receptor 2; plus strand). Cytogenetic location: 3p12.3.
Variant type: single nucleotide variant.
Coding change: c.115G>T on transcript NM_001395656.1 (MANE Select); coding-DNA position 115, G replaced by T.
Protein change: p.Asp39Tyr; replaces aspartic acid 39 with tyrosine.
Molecular consequence: missense variant. On other transcripts: 5 prime UTR variant (1).
Genome position (GRCh38, 1-based): chr3:77,098,067, G>T. VCF-style: chr3-77098067-G-T. GRCh37 (hg19) VCF-style: chr3-77147218-G-T.
Other names: c.163G>T, p.Asp55Tyr (NM_001128929.3, NM_001378190.1, NM_001378191.1 and 5 more transcripts); c.115G>T, p.Asp39Tyr (NM_001290039.2, NM_001290040.2, NM_001378193.1 and 3 more transcripts); c.-1804G>T (NM_001290065.2); c.184G>T, p.Asp62Tyr (NM_001378192.1, NM_001378194.1, NM_001378198.1 and 5 more transcripts); short protein forms D39Y, D55Y, D62Y.
Identifiers: ClinVar variation 3367285 (VCV003367285.1).